The following is an entry in ClinVar:

NM_000051.4(ATM):c.8306G>A (p.Trp2769Ter)

Genes: ATM (ATM serine/threonine kinase; plus strand), C11orf65 (chromosome 11 open reading frame 65; minus strand). Cytogenetic location: 11q22.3.
Variant type: single nucleotide variant.
Coding change: c.8306G>A on transcript NM_000051.4 (MANE Select); coding-DNA position 8306, G replaced by A.
Protein change: p.Trp2769Ter; replaces tryptophan 2769 with a stop codon.
Molecular consequence: nonsense. On other transcripts: intron variant (2).
Genome position (GRCh38, 1-based): chr11:108,343,259, G>A. VCF-style: chr11-108343259-G-A. GRCh37 (hg19) VCF-style: chr11-108213986-G-A.
Other names: c.8306G>A, p.Trp2769Ter (NM_001351834.2); c.641-34188C>T (NM_001330368.2); c.695-7967C>T (NM_001351110.2); short protein forms W2769*.
Identifiers: ClinVar variation 2582245 (VCV002582245.2), dbSNP rs2136943442, ClinGen allele CA382516351.

ClinVar aggregate classification (germline): Pathogenic. Review status: criteria provided, single submitter (1 of 4 stars). 2 submissions from 2 submitters: Pathogenic (1). 1 of the submissions does not count toward it. Last evaluated 2024-12-20.

Conditions:
Malignant tumor of urinary bladder. Also called: Bladder cancer; Urinary bladder cancer; Urinary Bladder Neoplasms. Identifiers: MedGen C0005684, MONDO:0001187, OMIM 109800.
Hereditary cancer-predisposing syndrome. Also called: Hereditary Cancer Syndrome; Hereditary neoplastic syndrome; Neoplastic Syndromes, Hereditary; Tumor predisposition. Identifiers: Orphanet 140162, MedGen C0027672, MeSH D009386, MONDO:0015356.

Submissions (2):

Ambry Genetics
Classification: Pathogenic for Hereditary cancer-predisposing syndrome. Last evaluated: 2024-12-20. Review status: criteria provided, single submitter. Criteria: Ambry Variant Classification Scheme 2023. Collection method: clinical testing. Allele origin: germline.
Comment: The p.W2769* pathogenic mutation (also known as c.8306G>A), located in coding exon 56 of the ATM gene, results from a G to A substitution at nucleotide position 8306. This changes the amino acid from a tryptophan to a stop codon within coding exon 56. This variant is considered to be rare based on population cohorts in the Genome Aggregation Database (gnomAD). This alteration is expected to result in loss of function by premature protein truncation or nonsense-mediated mRNA decay. As such, this alteration is interpreted as a disease-causing mutation.

Laboratory of Urology, Hospital Clinic de Barcelona
Classification: Pathogenic for Malignant tumor of urinary bladder. Review status: no assertion criteria provided. Collection method: research. Allele origin: somatic. Affected: yes. Not counted in ClinVar's aggregate classification.